The following is an entry in ClinVar:

NM_080425.4(GNAS):c.70del (p.Glu24fs)

Gene: GNAS (GNAS complex locus; plus strand). Cytogenetic location: 20q13.32.
Variant type: Deletion.
Coding change: c.70del on transcript NM_080425.4 (MANE Plus Clinical); coding-DNA position 70, one base deleted (G; older notation c.70delG).
Protein change: p.Glu24fs; shifts the reading frame from glutamic acid 24.
Molecular consequence: frameshift variant. On other transcripts: 5 prime UTR variant (2), intron variant (3).
Genome position (GRCh38, 1-based): chr20:58,853,335, G deleted; the last of 4 consecutive G bases (chr20:58,853,332-58,853,335); deleting any one gives the same sequence. VCF-style (leftmost placement, unchanged base first): chr20-58853331-CG-C. GRCh37 (hg19) VCF-style: chr20-57428386-CG-C.
Other names: c.-118del (NM_001077490.3, NM_001309883.1); c.70del, p.Glu24fs (NM_001410913.1); c.*42+12449del (NM_016592.5); c.43+12449del (NM_001410912.1); c.-39+11460del (NM_001309861.2); short protein forms E24fs.
Identifiers: ClinVar variation 4984683 (VCV004984683.1).
Genomic context (GRCh38, chr20:58,853,331, plus strand): 5'-CGTGCGCAACTGCCTCTACGGCAATAATATGTCAGGACAACGCGATATCCCCCCTGAAAT[CG>C]GGGAACAGCCCGAGCAACCACCTTTGGAGGCCCCAGGGGCAGCTGCCCCCGGTGCTGGGC-3'

ClinVar aggregate classification (germline): Uncertain significance (1 of 4 stars; one submission).

Conditions:
GNAS-related disorder. Identifiers: MedGen CN380105.

Submission:

PreventionGenetics, part of Exact Sciences
Classification: Uncertain significance for GNAS-related condition. Last evaluated: 2026-03-10. Review status: criteria provided, single submitter. Criteria: ACMG Guidelines, 2015. Collection method: clinical testing. Allele origin: germline.
Comment: The GNAS c.70delG variant is predicted to result in a frameshift and premature protein termination (p.Glu24Asnfs*666). In the canonical transcript (NM_000516) this variant is precoding (c.-38392delG). To our knowledge, this variant has not been reported in the literature or in a large population database (gnomAD), indicating this variant is rare. At this time, the clinical significance of this variant is uncertain due to the absence of conclusive functional and genetic evidence.